The following is an entry in ClinVar:

ClinVar aggregate classification (germline): Uncertain significance. Review status: criteria provided, multiple submitters, no conflicts (2 of 4 stars). 2 submissions from 2 submitters: Uncertain significance (2). Last evaluated 2023-12-09.

Conditions:
Inborn genetic diseases. Identifiers: MedGen C0950123, MeSH D030342.

Allele frequency attached by ClinVar (database versions not stated): gnomAD exomes 0.00001.
gnomAD v4.1: 7 of 1,195,468 alleles (0.00059%); highest among the groups gnomAD compares: African/African-American, 0.0017%; no homozygotes.

Submissions (2):

Ambry Genetics
Classification: Uncertain significance for Inborn genetic diseases. Last evaluated: 2023-12-09. Review status: criteria provided, single submitter. Criteria: Ambry Variant Classification Scheme 2023. Collection method: clinical testing. Allele origin: germline.

Labcorp Genetics (formerly Invitae), Labcorp
Classification: Uncertain significance. Last evaluated: 2021-10-07. Review status: criteria provided, single submitter. Criteria: Invitae Variant Classification Sherloc (09022015). Collection method: clinical testing. Allele origin: germline.
Comment: In summary, the available evidence is currently insufficient to determine the role of this variant in disease. Therefore, it has been classified as a Variant of Uncertain Significance. Algorithms developed to predict the effect of missense changes on protein structure and function are either unavailable or do not agree on the potential impact of this missense change (SIFT: "Tolerated"; PolyPhen-2: "Probably Damaging"; Align-GVGD: "Class C0"). This variant has not been reported in the literature in individuals affected with NDP-related conditions. This variant is not present in population databases (ExAC no frequency). This sequence change replaces arginine with glutamine at codon 109 of the NDP protein (p.Arg109Gln). The arginine residue is highly conserved and there is a small physicochemical difference between arginine and glutamine.

NM_000266.4(NDP):c.326G>A (p.Arg109Gln)

Genes: NDP (norrin cystine knot growth factor NDP; minus strand), NDP-AS1 (NDP antisense RNA 1; plus strand). Cytogenetic location: Xp11.3.
Variant type: single nucleotide variant.
Coding change: c.326G>A on transcript NM_000266.4 (MANE Select); coding-DNA position 326, G replaced by A.
Protein change: p.Arg109Gln; replaces arginine 109 with glutamine.
Molecular consequence: missense variant. On other transcripts: non-coding transcript variant (1).
Genome position (GRCh38, 1-based): chrX:43,949,875, C>T on the plus strand (G>A on the coding strand, the complement: NDP is on the minus strand). VCF-style: chrX-43949875-C-T. GRCh37 (hg19) VCF-style: chrX-43809121-C-T.
Other names: c.326G>A (NM_000266.3); short protein forms R109Q.
Identifiers: ClinVar variation 1414252 (VCV001414252.7), dbSNP rs1352453369, ClinGen allele CA413007409.